The following is an entry in ClinVar:

ClinVar aggregate classification (germline): Likely benign. Review status: criteria provided, multiple submitters, no conflicts (2 of 4 stars). 3 submissions from 3 submitters: Likely benign (3). Last evaluated 2025-09-12.

Conditions:
TNXB-related disorder. Also called: TNXB-related condition.
Cardiovascular phenotype. Identifiers: MedGen CN230736.

Submissions (3):

Women's Health and Genetics/Laboratory Corporation of America, LabCorp
Classification: Likely benign. Last evaluated: 2025-09-12. Review status: criteria provided, single submitter. Criteria: LabCorp Variant Classification Summary - May 2015. Collection method: clinical testing. Allele origin: germline.

PreventionGenetics, part of Exact Sciences
Classification: Likely benign for TNXB-related condition. Last evaluated: 2025-08-04. Review status: criteria provided, single submitter. Criteria: ACMG Guidelines, 2015. Collection method: clinical testing. Allele origin: germline.
Comment: This variant is classified as likely benign based on ACMG/AMP sequence variant interpretation guidelines (Richards et al. 2015 PMID: 25741868, with internal and published modifications).

Ambry Genetics
Classification: Likely benign for Cardiovascular phenotype. Last evaluated: 2024-01-03. Review status: criteria provided, single submitter. Criteria: Ambry Variant Classification Scheme 2023. Collection method: clinical testing. Allele origin: germline.

NM_001365276.2(TNXB):c.8541C>G (p.Leu2847=)

Gene: TNXB (tenascin XB; minus strand). Cytogenetic location: 6p21.33.
Variant type: single nucleotide variant.
Coding change: c.8541C>G on transcript NM_001365276.2 (MANE Select); coding-DNA position 8541, C replaced by G.
Protein change: p.Leu2847=; no amino-acid change (leucine 2847 retained).
Molecular consequence: synonymous variant.
Genome position (GRCh38, 1-based): chr6:32,053,638, G>C on the plus strand (C>G on the coding strand, the complement: TNXB is on the minus strand). VCF-style: chr6-32053638-G-C. GRCh37 (hg19) VCF-style: chr6-32021415-G-C.
Other names: c.9282C>G, p.Leu3094= (NM_001428335.1); c.8535C>G, p.Leu2845= (NM_019105.8).
Identifiers: ClinVar variation 3227339 (VCV003227339.3), dbSNP rs777001090, ClinGen allele CA3733804.
Genomic context (GRCh38, chr6:32,053,638, plus strand): 5'-GGGGACCATCCAGGACAGGCTGAGGGAGTCAGGGGTGGCATCTGTCACGGTCAGCTCCCC[G>C]AGGCGAGGCTTGTTGGGGGGCTCAGGGGTTGTGGTGGGCACTGCTTGGGTGGTCTCTGCT-3'
Protein context (NP_001352205.1, residues 2837-2857): TTPEPPNKPR[Leu2847=]GELTVTDATP